The following continues an entry in ClinVar:

NM_005476.7(GNE):c.1892C>T (p.Ala631Val)

Gene: GNE. ClinVar aggregate classification (germline): Pathogenic. Pathogenic (24).

Submissions 15 to 26 of 26:

Myriad Genetics, Inc.
Classification: Pathogenic for GNE myopathy. Last evaluated: 2019-12-20. Review status: criteria provided, single submitter. Criteria: Myriad Women's Health Autosomal Recessive and X-Linked Classification Criteria (2019). Collection method: clinical testing. Allele origin: unknown.
Comment: NM_001128227.2(GNE):c.1985C>T(A662V) is classified as pathogenic in the context of GNE myopathy. Sources cited for classification include the following: PMID 22343627, 15987957, 14707127, 12473769, 12177386, 12497639, 24695763 and 16503651. Classification of NM_001128227.2(GNE):c.1985C>T(A662V) is based on the following criteria: This is a well-established pathogenic variant in the literature that has been observed more frequently in patients with clinical diagnoses than in healthy populations. Please note: this variant was assessed in the context of healthy population screening.

CENTOGENE GmbH and LLC - Guiding Precision Medicine
Classification: Pathogenic for GNE myopathy. Last evaluated: 2019-12-03. Review status: criteria provided, single submitter. Criteria: ACMG Guidelines, 2015. Collection method: clinical testing. Allele origin: germline. Affected: no.

CeGaT Center for Human Genetics Tuebingen
Classification: Pathogenic. Last evaluated: 2019-08-01. Review status: criteria provided, single submitter. Criteria: CeGaT Center For Human Genetics Tuebingen Variant Classification Criteria Version 2. Collection method: clinical testing. Allele origin: germline. Affected: yes. Observed: 2 variant alleles.

Fulgent Genetics
Classification: Pathogenic for Sialuria; GNE myopathy. Last evaluated: 2018-10-31. Review status: criteria provided, single submitter. Criteria: ACMG Guidelines, 2015. Collection method: clinical testing. Allele origin: unknown.

Eurofins Ntd Llc (ga)
Classification: Pathogenic. Last evaluated: 2018-04-03. Review status: criteria provided, single submitter. Criteria: EGL ClinVar v180209 classification definitions. Collection method: clinical testing. Allele origin: germline. Observed: 13 variant alleles, 13 heterozygotes.

Athena Diagnostics
Classification: Pathogenic. Last evaluated: 2017-01-24. Review status: criteria provided, single submitter. Criteria: Athena Diagnostics Criteria. Collection method: clinical testing. Allele origin: germline.

Baylor Genetics
Classification: Pathogenic for GNE myopathy; Sialuria. Review status: criteria provided, single submitter. Criteria: ACMG Guidelines, 2015. Collection method: clinical testing. Allele origin: germline.

Clinical Genetics Service, Universitary Hospital 12 de Octubre
Classification: Pathogenic for GNE myopathy. Review status: criteria provided, single submitter. Criteria: ACMG Guidelines, 2015. Collection method: clinical testing. Allele origin: germline. Affected: yes.

Knight Diagnostic Laboratories, Oregon Health and Sciences University
Classification: Pathogenic for GNE myopathy. Review status: criteria provided, single submitter. Criteria: ACMG Guidelines, 2015. Collection method: clinical testing. Allele origin: germline. Affected: no. Study: CSER-NextGen.
Comment: The c.1985C>T (p.Ala662Val) is a missense variant in the GNE gene where missense pathogenic variants have been reported. It is located in the kinase domain of the protein, and functional studies have shown that the kinase activity is dramatically reduced in cells carrying this variant (Nogushi et al. 2004). It is absent or not frequent in the control population databases (0% in 1000 genomes and Exome Sequencing Project, and 0.013% in ExAc), and in silico computational algorithms predicted this variant to be deleterious to protein function and exhibits a high CADD score (27.1). Finally, this variant has been described as pathogenic by ClinVar and the Emory Genetics Laboratory. Therefore, this collective evidence supports the classification of the c.1985C>T (p.Ala662Val) as a recessive pathogenic variant for inclusion body myopathy.

UNC Molecular Genetics  Laboratory, University of North Carolina at Chapel Hill
Classification: Pathogenic for GNE myopathy. Review status: criteria provided, single submitter. Criteria: ACMG Guidelines, 2015. Collection method: research. Allele origin: germline. Affected: no. Observed: 1 variant allele. Study: NSIGHT-NC NEXUS.
Comment: The c.1985C>T (p.A662V) variant has been observed in the homozygous or compound heterozygous state in individuals with GNE myopathy (PMID: 12177386; 12473769; 12497639; 15136692; 19596068; 21131200; 22196754; 22883483; 24695763).

carrier finding

OMIM
Classification: Pathogenic for NONAKA MYOPATHY. Last evaluated: 2002-12-10. Review status: no assertion criteria provided. Collection method: literature only. Allele origin: germline. Not counted in ClinVar's aggregate classification.

GeneReviews
No classification provided. Condition: GNE myopathy. Review status: no classification provided. Collection method: literature only. Allele origin: germline. Not counted in ClinVar's aggregate classification.

Literature cited by the submitters: PubMed 24796702 (cited by Labcorp Genetics (formerly Invitae), Labcorp); PubMed 22196754 (cited by 3 submitters); PubMed 24695763 (cited by 7 submitters); PubMed 14707127 (cited by 5 submitters); PubMed 15987957 (cited by 5 submitters); PubMed 16503651 (cited by 3 submitters); PubMed 35138478 (cited by Mayo Clinic Laboratories, Mayo Clinic); PubMed 22343627 (cited by Myriad Genetics, Inc. and Athena Diagnostics); PubMed 12473769 (cited by 4 submitters); PubMed 12177386 (cited by 4 submitters); PubMed 12497639 (cited by 3 submitters); PubMed 22507750 (cited by Athena Diagnostics); PubMed 25123033 (cited by Athena Diagnostics); PubMed 17261181 (cited by Athena Diagnostics); PubMed 26968811 (cited by Athena Diagnostics); PubMed 21131200 (cited by Athena Diagnostics and UNC Molecular Genetics  Laboratory, University of North Carolina at Chapel Hill); PubMed 19841673 (cited by Athena Diagnostics); PubMed 15793292 (cited by Athena Diagnostics); PubMed 25303967 (cited by Athena Diagnostics); PubMed 21517694 (cited by Athena Diagnostics); PubMed 14972325 (cited by Athena Diagnostics); PubMed 21307865 (cited by Athena Diagnostics); PubMed 22883483 (cited by Athena Diagnostics and UNC Molecular Genetics  Laboratory, University of North Carolina at Chapel Hill); PubMed 20059379 (cited by Athena Diagnostics); PubMed 16112887 (cited by Athena Diagnostics); PubMed 12473753 (cited by Athena Diagnostics); PubMed 15136692 (cited by UNC Molecular Genetics  Laboratory, University of North Carolina at Chapel Hill); PubMed 19596068 (cited by UNC Molecular Genetics  Laboratory, University of North Carolina at Chapel Hill); PubMed 11528398 (cited by GeneReviews); PubMed 29480215 (cited by GeneReviews); PubMed 20301439 (cited by GeneReviews).